The following is an entry in ClinVar:

ClinVar aggregate classification (germline): Uncertain significance (1 of 4 stars; one submission).

Conditions:
Duchenne muscular dystrophy (DMD). Also called: MUSCULAR DYSTROPHY, PSEUDOHYPERTROPHIC PROGRESSIVE, DUCHENNE TYPE; Duchenne Muscular Dystrophy (DMD). Identifiers: Orphanet 98896, MedGen C0013264, MONDO:0010679, OMIM 310200.

Submission:

Labcorp Genetics (formerly Invitae), Labcorp
Classification: Uncertain significance for Duchenne muscular dystrophy. Last evaluated: 2022-07-03. Review status: criteria provided, single submitter. Criteria: Invitae Variant Classification Sherloc (09022015). Collection method: clinical testing. Allele origin: germline.
Comment: This sequence change replaces glutamic acid, which is acidic and polar, with alanine, which is neutral and non-polar, at codon 1800 of the DMD protein (p.Glu1800Ala). This variant is not present in population databases (gnomAD no frequency). In summary, the available evidence is currently insufficient to determine the role of this variant in disease. Therefore, it has been classified as a Variant of Uncertain Significance. Algorithms developed to predict the effect of missense changes on protein structure and function are either unavailable or do not agree on the potential impact of this missense change (SIFT: "Tolerated"; PolyPhen-2: "Possibly Damaging"; Align-GVGD: "Class C0"). This variant has not been reported in the literature in individuals affected with DMD-related conditions.

NM_004006.3(DMD):c.5399A>C (p.Glu1800Ala)

Gene: DMD (dystrophin; minus strand). Cytogenetic location: Xp21.1.
Variant type: single nucleotide variant.
Coding change: c.5399A>C on transcript NM_004006.3 (MANE Select); coding-DNA position 5399, A replaced by C.
Protein change: p.Glu1800Ala; replaces glutamic acid 1800 with alanine.
Molecular consequence: missense variant.
Genome position (GRCh38, 1-based): chrX:32,348,455, T>G on the plus strand (A>C on the coding strand, the complement: DMD is on the minus strand). VCF-style: chrX-32348455-T-G. GRCh37 (hg19) VCF-style: chrX-32366572-T-G.
Other names: c.5375A>C, p.Glu1792Ala (NM_000109.4); c.5387A>C, p.Glu1796Ala (NM_004009.3); c.5030A>C, p.Glu1677Ala (NM_004010.3); c.1376A>C, p.Glu459Ala (NM_004011.4); c.1367A>C, p.Glu456Ala (NM_004012.4); short protein forms E456A, E1796A, E1800A, E1677A, E459A, E1792A.
Identifiers: ClinVar variation 2013621 (VCV002013621.4), dbSNP rs2522058827, ClinGen allele CA412667809.